The following is an entry in ClinVar:

NM_000256.3(MYBPC3):c.2503del (p.Arg835fs)

Gene: MYBPC3 (myosin binding protein C3; minus strand). Cytogenetic location: 11p11.2.
Variant type: Deletion.
Coding change: c.2503del on transcript NM_000256.3 (MANE Select); coding-DNA position 2503, one base deleted (C; older notation c.2503delC).
Protein change: p.Arg835fs; shifts the reading frame from arginine 835.
Molecular consequence: frameshift variant.
Genome position (GRCh38, 1-based): chr11:47,337,490, G deleted on the plus strand (C on the coding strand, the reverse complement: MYBPC3 is on the minus strand). VCF-style (leftmost placement, unchanged base first): chr11-47337489-CG-C. GRCh37 (hg19) VCF-style: chr11-47359040-CG-C.
Other names: c.2503delC (NM_000256.3); short protein forms R835fs.
Identifiers: ClinVar variation 1792282 (VCV001792282.2), dbSNP rs2495749625, ClinGen allele CA2580084287.

ClinVar aggregate classification (germline): Pathogenic (1 of 4 stars; one submission).

Conditions:
Cardiovascular phenotype. Identifiers: MedGen CN230736.

Submission:

Ambry Genetics
Classification: Pathogenic for Cardiovascular phenotype. Last evaluated: 2020-03-11. Review status: criteria provided, single submitter. Criteria: Ambry Variant Classification Scheme 2023. Collection method: clinical testing. Allele origin: germline.
Comment: The c.2503delC pathogenic mutation, located in coding exon 25 of the MYBPC3 gene, results from a deletion of one nucleotide at nucleotide position 2503, causing a translational frameshift with a predicted alternate stop codon (p.R835Afs*2). This alteration is expected to result in loss of function by premature protein truncation or nonsense-mediated mRNA decay. As such, this alteration is interpreted as a disease-causing mutation.